The following is an entry in ClinVar:

ClinVar aggregate classification (germline): Benign (1 of 4 stars; one submission).

Allele frequency attached by ClinVar (database versions not stated): 1000 Genomes Project 0.12839; 1000 Genomes Project 30x 0.12898; gnomAD 0.13747 and 0.13824; TOPMed 0.14242.
gnomAD v4.1: 21,023 of 151,964 alleles (14%); highest among the groups gnomAD compares: Admixed American, 27%; 1,851 homozygotes.

Submission:

GeneDx
Classification: Benign. Last evaluated: 2018-06-14. Review status: criteria provided, single submitter. Criteria: GeneDx Variant Classification (06012015). Collection method: clinical testing. Allele origin: germline. Affected: yes.
Comment: This variant is considered likely benign or benign based on one or more of the following criteria: it is a conservative change, it occurs at a poorly conserved position in the protein, it is predicted to be benign by multiple in silico algorithms, and/or has population frequency not consistent with disease.

NM_001083962.2(TCF4):c.145+226C>T

Gene: TCF4 (transcription factor 4; minus strand). Cytogenetic location: 18q21.2.
Variant type: single nucleotide variant.
Coding change: c.145+226C>T on transcript NM_001083962.2 (MANE Select); 226 bases into the intron after coding-DNA position 145, C replaced by T.
Molecular consequence: intron variant.
Genome position (GRCh38, 1-based): chr18:55,585,054, G>A on the plus strand (C>T on the coding strand, the complement: TCF4 is on the minus strand). VCF-style: chr18-55585054-G-A. GRCh37 (hg19) VCF-style: chr18-53252285-G-A.
Other names: c.451+226C>T (NM_001243226.3); c.73+226C>T (NM_001369584.1, NM_001369576.1, NM_001369577.1 and 15 more transcripts); c.145+226C>T (NM_001369571.1, NM_001369567.1, NM_001243228.2 and 8 more transcripts); c.139+226C>T (NM_001243230.2).
Identifiers: ClinVar variation 670700 (VCV000670700.1), dbSNP rs12455881, ClinGen allele CA301181829.